The following is an entry in ClinVar:

ClinVar aggregate classification (germline): Uncertain significance (1 of 4 stars; one submission).

Allele frequency attached by ClinVar (database versions not stated): gnomAD 0.00002 and 0.00005; TOPMed 0.00004; 1000 Genomes Project 30x 0.00016; 1000 Genomes Project 0.00020.

Submission:

Labcorp Genetics (formerly Invitae), Labcorp
Classification: Uncertain significance. Last evaluated: 2022-08-19. Review status: criteria provided, single submitter. Criteria: Invitae Variant Classification Sherloc (09022015). Collection method: clinical testing. Allele origin: germline.
Comment: This sequence change replaces aspartic acid, which is acidic and polar, with glycine, which is neutral and non-polar, at codon 165 of the GPX4 protein (p.Asp165Gly). This variant is present in population databases (rs201490206, gnomAD 0.05%). This variant has not been reported in the literature in individuals affected with GPX4-related conditions. ClinVar contains an entry for this variant (Variation ID: 1473504). Algorithms developed to predict the effect of missense changes on protein structure and function are either unavailable or do not agree on the potential impact of this missense change (SIFT: "Tolerated"; PolyPhen-2: "Not Available"; Align-GVGD: "Class C0"). Algorithms developed to predict the effect of sequence changes on RNA splicing suggest that this variant may create or strengthen a splice site. In summary, the available evidence is currently insufficient to determine the role of this variant in disease. Therefore, it has been classified as a Variant of Uncertain Significance.

NM_002085.5(GPX4):c.383A>G (p.Asp128Gly)

Gene: GPX4 (glutathione peroxidase 4; plus strand). Cytogenetic location: 19p13.3.
Variant type: single nucleotide variant.
Coding change: c.383A>G on transcript NM_002085.5 (MANE Select); coding-DNA position 383, A replaced by G.
Protein change: p.Asp128Gly; replaces aspartic acid 128 with glycine.
Molecular consequence: missense variant.
Genome position (GRCh38, 1-based): chr19:1,105,716, A>G. VCF-style: chr19-1105716-A-G. GRCh37 (hg19) VCF-style: chr19-1105715-A-G.
Other names: c.383A>G, p.Asp128Gly (NM_001039847.3); c.494A>G, p.Asp165Gly (NM_001039848.4); c.302A>G, p.Asp101Gly (NM_001367832.1); short protein forms D165G, D101G, D128G.
Identifiers: ClinVar variation 1473504 (VCV001473504.3), dbSNP rs201490206, ClinGen allele CA9037339.